The following is an entry in ClinVar:

ClinVar aggregate classification (germline): Conflicting classifications of pathogenicity. Review status: criteria provided, conflicting classifications (1 of 4 stars). 10 submissions from 10 submitters: Uncertain significance (7); Likely benign (1). 2 of the submissions do not count toward it. Last evaluated 2026-09-01.

Conditions:
FUS-related disorder. Also called: FUS-related condition.
Inborn genetic diseases. Identifiers: MedGen C0950123, MeSH D030342.
Amyotrophic lateral sclerosis type 6. Also called: Amyotrophic lateral sclerosis 6, with or without frontotemporal dementia; AMYOTROPHIC LATERAL SCLEROSIS 6 WITHOUT FRONTOTEMPORAL DEMENTIA; FUS-Related Amyotrophic Laterial Sclerosis. Identifiers: Orphanet 275872, Orphanet 803, MedGen C2931786, MONDO:0011951, OMIM 608030.
Tremor, hereditary essential, 4 (ETM4). Identifiers: MedGen C3539195, MONDO:0013888, OMIM 614782.
Amyotrophic lateral sclerosis (ALS). Also called: Lou Gehrig disease; Charcot disease. Identifiers: Orphanet 803, MedGen C0002736, MONDO:0004976, HP:0007354.
Frontotemporal dementia (FTD1). Also called: Frontotemporal lobe dementia (FLDEM); Dementia, frontotemporal, with or without parkinsonism; Frontotemporal Dementia with Parkinsonism-17 (FTDP-17); WILHELMSEN-LYNCH DISEASE; FRONTOTEMPORAL LOBAR DEGENERATION WITH TAU INCLUSIONS; FTLD WITH TAU INCLUSIONS. Identifiers: Orphanet 282, MedGen C0338451, MONDO:0017276, OMIM 600274, HP:0002145.

Allele frequency attached by ClinVar (database versions not stated): TOPMed 0.00036; 1000 Genomes Project 0.00040; gnomAD 0.00016 and 0.00017; ExAC 0.00007; 1000 Genomes Project 30x 0.00031; ESP Exome Variant Server 0.00008; gnomAD exomes 0.00012.
gnomAD v4.1: 204 of 1,614,116 alleles (0.013%); highest among the groups gnomAD compares: Admixed American, 0.063%; no homozygotes.

Submissions (10):

CeGaT Center for Human Genetics Tuebingen
Classification: Uncertain significance. Last evaluated: 2026-09-01. Review status: criteria provided, single submitter. Criteria: CeGaT Center For Human Genetics Tuebingen Variant Classification Criteria Version 2. Collection method: clinical testing. Allele origin: germline. Affected: yes. Observed: 1 variant allele.

PreventionGenetics, part of Exact Sciences
Classification: Uncertain significance for FUS-related condition. Last evaluated: 2026-05-14. Review status: criteria provided, single submitter. Criteria: ACMG Guidelines, 2015. Collection method: clinical testing. Allele origin: germline.
Comment: The FUS c.1292C>T variant is predicted to result in the amino acid substitution p.Pro431Leu. This variant has been reported in multiple individuals with FUS-related disease such as essential tremor (Merner et al. 2012. PubMed ID: 22863194), amyotrophic lateral sclerosis with or without frontotemporal dementia (ALS-FTD, Cady et al. 2014. PubMed ID: 253820690; Morgan et al. 2017. PubMed ID: 28430856; Gromicho et al. 2020. PubMed ID: 32638105; Tábuas-Pereira et al. 2022. PubMed ID: 35873773) and Parkinson disease (Steele et al. 2015. PubMed ID: 25558820). Functional studies suggest this variant results in decreased mRNA expression (Merner et al. 2012. PubMed ID: 22863194) and may impact FUS protein binding, interactions with the nucleosome, and subcellular localization (Jia et al. 2024. PubMed ID: 38499486). This variant is reported in 0.028% of alleles in individuals of Latino descent in gnomAD, which may be too common for a causative variant or suggests reduced penetrance. This variant has conflicting classifications in the the ClinVar database ranging from likely benign to likely pathogenic (Variation ID: 37069). At this time, the clinical significance of this variant is uncertain due to the absence of conclusive functional and genetic evidence.

Labcorp Genetics (formerly Invitae), Labcorp
Classification: Uncertain significance for Tremor, hereditary essential, 4; Amyotrophic lateral sclerosis type 6. Last evaluated: 2025-12-08. Review status: criteria provided, single submitter. Criteria: Invitae Variant Classification Sherloc (09022015). Collection method: clinical testing. Allele origin: germline.
Comment: This sequence change replaces proline, which is neutral and non-polar, with leucine, which is neutral and non-polar, at codon 431 of the FUS protein (p.Pro431Leu). This variant is present in population databases (rs186547381, gnomAD 0.03%). This missense change has been observed in individual(s) with clinical features of FUS-related conditions (PMID: 22863194, 25382069, 25558820, 28430856, 30279455, 32638105). ClinVar contains an entry for this variant (Variation ID: 37069). An algorithm developed to predict the effect of missense changes on protein structure and function (PolyPhen-2) suggests that this variant is likely to be tolerated. Experimental studies have shown that this missense change affects FUS function (PMID: 38499486). In summary, the available evidence is currently insufficient to determine the role of this variant in disease. Therefore, it has been classified as a Variant of Uncertain Significance.

Molecular Genetics, Royal Melbourne Hospital
Classification: Uncertain significance for Amyotrophic lateral sclerosis. Last evaluated: 2024-03-01. Review status: criteria provided, single submitter. Criteria: ACMG Guidelines, 2015. Collection method: clinical testing. Allele origin: germline. Inheritance: Autosomal dominant inheritance.
Comment: This sequence change in FUS is predicted to replace proline with leucine at codon 431, p.(Pro431Leu). The proline residue is highly conserved (100 vertebrates, Multiz Alignments), and is located in the RANBP2-type zinc finger domain in a region (amino acids 429-438) that is highly intolerant to missense variation. There is a moderate physicochemical difference between proline and leucine. The highest population minor allele frequency in the population database gnomAD v4.0 is 0.06% (38/60,008 alleles) in the Admixed American population. This variant has been reported in individuals with Alzheimer disease, amyotrophic lateral sclerosis, frontotemporal dementia, and Parkinson's disease, and unaffected individuals (PMID: 20138404, 22863194, 25382069, 25558820, 28430856, 29486463, 30279455, 32638105). Computational evidence is uninformative for the missense substitution (REVEL = 0.522). Based on the classification scheme RMH Modified ACMG/AMP Guidelines v1.6.1, this variant is classified as a VARIANT OF UNCERTAIN SIGNIFICANCE. Following criteria are met: PM1.

Ambry Genetics
Classification: Likely benign for Inborn genetic diseases. Last evaluated: 2019-12-28. Review status: criteria provided, single submitter. Criteria: Ambry Variant Classification Scheme 2023. Collection method: clinical testing. Allele origin: germline.

Fulgent Genetics
Classification: Uncertain significance for Amyotrophic lateral sclerosis type 6; Tremor, hereditary essential, 4. Last evaluated: 2018-10-31. Review status: criteria provided, single submitter. Criteria: ACMG Guidelines, 2015. Collection method: clinical testing. Allele origin: unknown.

Athena Diagnostics
Classification: Uncertain significance. Last evaluated: 2017-10-09. Review status: criteria provided, single submitter. Criteria: Athena Diagnostics Criteria. Collection method: clinical testing. Allele origin: germline.

Breakthrough Genomics
Classification: Uncertain significance. Review status: criteria provided, single submitter. Criteria: ACMG Guidelines, 2015. Collection method: not provided. Allele origin: germline. Inheritance: Autosomal dominant inheritance. Affected: yes.

Guerreiro-Bras Laboratory, Van Andel Institute
Classification: Likely pathogenic for Frontotemporal dementia. Last evaluated: 2022-02-02. Review status: no assertion criteria provided. Collection method: research. Allele origin: unknown. Affected: yes. Not counted in ClinVar's aggregate classification.

OMIM
Classification: Pathogenic for TREMOR, HEREDITARY ESSENTIAL, 4. Last evaluated: 2012-08-10. Review status: no assertion criteria provided. Collection method: literature only. Allele origin: germline. Not counted in ClinVar's aggregate classification.

Literature cited by the submitters: PubMed 22863194 (cited by 4 submitters); PubMed 25382069 (cited by 3 submitters); PubMed 25558820 (cited by Labcorp Genetics (formerly Invitae), Labcorp and Molecular Genetics, Royal Melbourne Hospital); PubMed 28430856 (cited by Labcorp Genetics (formerly Invitae), Labcorp and Molecular Genetics, Royal Melbourne Hospital); PubMed 30279455 (cited by Labcorp Genetics (formerly Invitae), Labcorp and Molecular Genetics, Royal Melbourne Hospital); PubMed 32638105 (cited by Labcorp Genetics (formerly Invitae), Labcorp and Molecular Genetics, Royal Melbourne Hospital); PubMed 38499486 (cited by Labcorp Genetics (formerly Invitae), Labcorp); PubMed 20138404 (cited by Molecular Genetics, Royal Melbourne Hospital); PubMed 29486463 (cited by Molecular Genetics, Royal Melbourne Hospital).

NM_004960.4(FUS):c.1292C>T (p.Pro431Leu)

Gene: FUS (FUS DNA/RNA binding protein; plus strand). Cytogenetic location: 16p11.2.
Variant type: single nucleotide variant.
Coding change: c.1292C>T on transcript NM_004960.4 (MANE Select); coding-DNA position 1292, C replaced by T.
Protein change: p.Pro431Leu; replaces proline 431 with leucine.
Molecular consequence: missense variant. On other transcripts: non-coding transcript variant (1).
Genome position (GRCh38, 1-based): chr16:31,190,398, C>T. VCF-style: chr16-31190398-C-T. GRCh37 (hg19) VCF-style: chr16-31201719-C-T.
Other names: c.1289C>T, p.Pro430Leu (NM_001170634.1); c.1280C>T, p.Pro427Leu (NM_001170937.1); short protein forms P431L, P430L, P427L.
Identifiers: ClinVar variation 37069 (VCV000037069.19), dbSNP rs186547381, ClinGen allele CA130060.